The following is an entry in ClinVar:

ClinVar aggregate classification (germline): Uncertain significance (1 of 4 stars; one submission).

Conditions:
Glucose-6-phosphate transport defect (GSD1B). Also called: Glycogen Storage Disease Type Ib; GSD Ib. Identifiers: Orphanet 364, Orphanet 79259, MedGen C0268146, MONDO:0009288, OMIM 232220.

Submission:

Centre for Human Genetics
Classification: Uncertain significance for Glucose-6-phosphate transport defect. Last evaluated: 2020-09-02. Review status: criteria provided, single submitter. Criteria: ACMG Guidelines, 2015. Collection method: clinical testing. Allele origin: inherited. Inheritance: Autosomal recessive inheritance. Affected: yes. Observed: 1 variant allele.
Comment: Likely affecting

NM_001164277.2(SLC37A4):c.139G>C (p.Asp47His)

Gene: SLC37A4 (solute carrier family 37 member 4; minus strand). Cytogenetic location: 11q23.3.
Variant type: single nucleotide variant.
Coding change: c.139G>C on transcript NM_001164277.2 (MANE Select); coding-DNA position 139, G replaced by C.
Protein change: p.Asp47His; replaces aspartic acid 47 with histidine.
Molecular consequence: missense variant. On other transcripts: intron variant (1).
Genome position (GRCh38, 1-based): chr11:119,029,231, C>G on the plus strand (G>C on the coding strand, the complement: SLC37A4 is on the minus strand). VCF-style: chr11-119029231-C-G. GRCh37 (hg19) VCF-style: chr11-118899941-C-G.
Other names: c.139G>C, p.Asp47His (NM_001164278.2, NM_001164280.2, NM_001467.6); c.-172+161G>C (NM_001164279.2); short protein forms D47H.
Identifiers: ClinVar variation 997958 (VCV000997958.1), dbSNP rs1943672924, ClinGen allele CA382908007.